The following is an entry in ClinVar:

NM_006939.4(SOS2):c.3489+19C>T

Gene: SOS2 (SOS Ras/Rho guanine nucleotide exchange factor 2; minus strand). Cytogenetic location: 14q21.3.
Variant type: single nucleotide variant.
Coding change: c.3489+19C>T on transcript NM_006939.4 (MANE Select); 19 bases into the intron after coding-DNA position 3489, C replaced by T.
Molecular consequence: intron variant.
Genome position (GRCh38, 1-based): chr14:50,120,256, G>A on the plus strand (C>T on the coding strand, the complement: SOS2 is on the minus strand). VCF-style: chr14-50120256-G-A. GRCh37 (hg19) VCF-style: chr14-50586974-G-A.
Identifiers: ClinVar variation 496339 (VCV000496339.19), dbSNP rs149825446, ClinGen allele CA7176789.
Genomic context (GRCh38, chr14:50,120,256, plus strand): 5'-CACAGACTCTTTATAACACTAGGCATTATTTTGAAGATTCACAACTTTGAATAAGTTGGA[G>A]TAAAGTCCTGTTGATTACCTTGGAATTTGAAGCATCATGATCAAACTTTTTTCGAGGAGG-3'

ClinVar aggregate classification (germline): Benign/Likely benign. Review status: criteria provided, multiple submitters, no conflicts (2 of 4 stars). 6 submissions from 6 submitters: Benign (5); Likely benign (1). Last evaluated 2026-02-03.

Conditions:
Noonan syndrome 9 (NS9). Identifiers: Orphanet 648, MedGen C4225282, MONDO:0014691, OMIM 616559.

Allele frequency attached by ClinVar (database versions not stated): ExAC 0.00251; 1000 Genomes Project 0.00579; gnomAD 0.00643 and 0.00700; 1000 Genomes Project 30x 0.00671; TOPMed 0.00698; ESP Exome Variant Server 0.00707.

Submissions (6):

Labcorp Genetics (formerly Invitae), Labcorp
Classification: Benign for Noonan syndrome 9. Last evaluated: 2026-02-03. Review status: criteria provided, single submitter. Criteria: Invitae Variant Classification Sherloc (09022015). Collection method: clinical testing. Allele origin: germline.

ARUP Laboratories, Molecular Genetics and Genomics, ARUP Laboratories
Classification: Benign for Noonan syndrome 9. Last evaluated: 2023-10-05. Review status: criteria provided, single submitter. Criteria: ARUP Molecular Germline Variant Investigation Process 2024. Collection method: clinical testing. Allele origin: germline.

Fulgent Genetics
Classification: Likely benign for Noonan syndrome 9. Last evaluated: 2021-09-30. Review status: criteria provided, single submitter. Criteria: ACMG Guidelines, 2015. Collection method: clinical testing. Allele origin: unknown.

Women's Health and Genetics/Laboratory Corporation of America, LabCorp
Classification: Benign. Last evaluated: 2017-04-11. Review status: criteria provided, single submitter. Criteria: LabCorp Variant Classification Summary - May 2015. Collection method: clinical testing. Allele origin: germline.
Comment: Variant summary: The SOS2 c.3489+19C>T variant involves the alteration of a non-conserved intronic nucleotide. One in silico tool predicts a benign outcome for this variant. 5/5 splice prediction tools predict no significant impact on normal splicing. ESE Finder predicts the variant may create an SRp40 ESE site at the locus. However, these predictions have yet to be confirmed by functional studies. This variant was found in the large control database ExAC at a frequency of 0.0025052 (281/112168 control chromosomes [4 homozygotes]), which is approximately 1002 times the estimated maximal expected allele frequency of a pathogenic SOS2 variant (0.0000025), suggesting this variant is likely a benign polymorphism. The variant of interest has not, to our knowledge, been reported in affected individuals via publications and/or reputable databases/clinical diagnostic laboratories, nor has it been evaluated for functional impact by in vivo/vitro studies. Taken together, this variant is classified as benign.

GeneDx
Classification: Benign. Last evaluated: 2017-04-10. Review status: criteria provided, single submitter. Criteria: GeneDx Variant Classification (06012015). Collection method: clinical testing. Allele origin: germline. Affected: yes.
Comment: This variant is considered likely benign or benign based on one or more of the following criteria: it is a conservative change, it occurs at a poorly conserved position in the protein, it is predicted to be benign by multiple in silico algorithms, and/or has population frequency not consistent with disease.

Genome-Nilou Lab
Classification: Benign for Noonan syndrome 9. Review status: criteria provided, single submitter. Criteria: ACMG Guidelines, 2015. Collection method: clinical testing. Allele origin: germline.